The following is an entry in ClinVar:

NM_005660.3(SLC35A2):c.485G>A (p.Arg162His)

Gene: SLC35A2 (solute carrier family 35 member A2; minus strand). Cytogenetic location: Xp11.23.
Variant type: single nucleotide variant.
Coding change: c.485G>A on transcript NM_005660.3 (MANE Select); coding-DNA position 485, G replaced by A.
Protein change: p.Arg162His; replaces arginine 162 with histidine.
Molecular consequence: missense variant. On other transcripts: intron variant (3).
Genome position (GRCh38, 1-based): chrX:48,905,424, C>T on the plus strand (G>A on the coding strand, the complement: SLC35A2 is on the minus strand). VCF-style: chrX-48905424-C-T. GRCh37 (hg19) VCF-style: chrX-48762701-C-T.
Other names: c.485G>A, p.Arg162His (NM_001042498.3); c.302G>A, p.Arg101His (NM_001282649.2); c.524G>A, p.Arg175His (NM_001282650.2); c.569G>A, p.Arg190His (NM_001282651.2); c.427-532G>A (NM_001282647.2, NM_001032289.3); c.355-532G>A (NM_001282648.2); short protein forms R162H, R101H, R190H, R175H.
Identifiers: ClinVar variation 638482 (VCV000638482.13), dbSNP rs782305321, ClinGen allele CA10406124.
Genomic context (GRCh38, chrX:48,905,424, plus strand): 5'-ACAATGGCGACGCCAGTGAAGAGGAGCAGCAGGGAGGCCCACTGCAGCCGGGAAAGGCTG[C>T]GATTCAGCATGAGCACGGAGAACAGCGCTGTGGTCAGGATCTTCAGCTGGTATGTCACCT-3'
Protein context (NP_005651.1, residues 152-172): TALFSVLMLN[Arg162His]SLSRLQWASL

ClinVar aggregate classification (germline): Conflicting classifications of pathogenicity. Review status: criteria provided, conflicting classifications (1 of 4 stars). 2 submissions from 2 submitters: Uncertain significance (1); Likely benign (1). Last evaluated 2022-10-07.

Conditions:
SLC35A2-congenital disorder of glycosylation. Also called: CONGENITAL DISORDER OF GLYCOSYLATION, TYPE IIm, SOMATIC MOSAIC; CONGENITAL DISORDER OF GLYCOSYLATION, TYPE IIm; CDG IIm; DEVELOPMENTAL AND EPILEPTIC ENCEPHALOPATHY 22; SLC35A2-CDG; EPILEPTIC ENCEPHALOPATHY, EARLY INFANTILE, 22. Identifiers: Orphanet 356961, MedGen C3806688, MONDO:0010478, OMIM 300896.

Allele frequency attached by ClinVar (database versions not stated): ExAC 0.00002; gnomAD 0.00002; TOPMed 0.00002; gnomAD exomes 0.00005.
gnomAD v4.1: 54 of 1,183,292 alleles (0.0046%); highest among the groups gnomAD compares: South Asian, 0.0057%; no homozygotes.

Submissions (2):

Labcorp Genetics (formerly Invitae), Labcorp
Classification: Likely benign for SLC35A2-congenital disorder of glycosylation. Last evaluated: 2022-10-07. Review status: criteria provided, single submitter. Criteria: Invitae Variant Classification Sherloc (09022015). Collection method: clinical testing. Allele origin: germline.

Genomic Research Center, Shahid Beheshti University of Medical Sciences
Classification: Uncertain significance for CONGENITAL DISORDER OF GLYCOSYLATION, TYPE IIm. Last evaluated: 2019-04-27. Review status: criteria provided, single submitter. Criteria: ACMG Guidelines, 2015. Collection method: clinical testing. Allele origin: unknown. Affected: yes.